The following is an entry in ClinVar:

ClinVar aggregate classification (germline): Pathogenic (1 of 4 stars; one submission).

Conditions:
Carney complex, type 1 (CNC1). Also called: CARNEY MYXOMA-ENDOCRINE COMPLEX; CARNEY COMPLEX, TYPE I. Identifiers: Orphanet 1359, MedGen C2607929, MONDO:0008057, OMIM 160980.

Submission:

Labcorp Genetics (formerly Invitae), Labcorp
Classification: Pathogenic for Carney complex, type 1. Last evaluated: 2022-05-09. Review status: criteria provided, single submitter. Criteria: Invitae Variant Classification Sherloc (09022015). Collection method: clinical testing. Allele origin: germline.
Comment: For these reasons, this variant has been classified as Pathogenic. This variant has not been reported in the literature in individuals affected with PRKAR1A-related conditions. This variant is not present in population databases (gnomAD no frequency). This sequence change creates a premature translational stop signal (p.Glu263*) in the PRKAR1A gene. It is expected to result in an absent or disrupted protein product. Loss-of-function variants in PRKAR1A are known to be pathogenic (PMID: 11115848, 19293268).

Literature cited by the submitters: PubMed 11115848; PubMed 19293268.

NM_002734.5(PRKAR1A):c.787G>T (p.Glu263Ter)

Gene: PRKAR1A (protein kinase cAMP-dependent type I regulatory subunit alpha; plus strand). Cytogenetic location: 17q24.2.
Variant type: single nucleotide variant.
Coding change: c.787G>T on transcript NM_002734.5 (MANE Select); coding-DNA position 787, G replaced by T.
Protein change: p.Glu263Ter; replaces glutamic acid 263 with a stop codon.
Molecular consequence: nonsense.
Genome position (GRCh38, 1-based): chr17:68,528,887, G>T. VCF-style: chr17-68528887-G-T. GRCh37 (hg19) VCF-style: chr17-66525028-G-T.
Other names: c.787G>T, p.Glu263Ter (NM_001276289.2, NM_001276290.1, NM_001278433.2 and 4 more transcripts); short protein forms E263*.
Identifiers: ClinVar variation 2135778 (VCV002135778.4), dbSNP rs2509437319, ClinGen allele CA400753819.
Genomic context (GRCh38, chr17:68,528,887, plus strand): 5'-CACCAAATAATACAGAGCAGTTATTTTGATTCTTGTCTTTCAGAGTCTCTGGACAAGTGG[G>T]AACGTCTTACGGTAGCTGATGCATTGGAACCAGTGCAGTTTGAAGATGGGCAGAAGATTG-3'